The following is an entry in ClinVar:

NM_201384.3(PLEC):c.7910C>T (p.Ala2637Val)

Gene: PLEC (plectin; minus strand). Cytogenetic location: 8q24.3.
Variant type: single nucleotide variant.
Coding change: c.7910C>T on transcript NM_201384.3 (MANE Select); coding-DNA position 7910, C replaced by T.
Protein change: p.Ala2637Val; replaces alanine 2637 with valine.
Molecular consequence: missense variant.
Genome position (GRCh38, 1-based): chr8:143,921,911, G>A on the plus strand (C>T on the coding strand, the complement: PLEC is on the minus strand). VCF-style: chr8-143921911-G-A. GRCh37 (hg19) VCF-style: chr8-144996079-G-A.
Other names: c.7991C>T (NM_000445.3, NM_000445.4); c.7991C>T, p.Ala2664Val (NM_000445.5); c.7868C>T, p.Ala2623Val (NM_201378.4); c.7844C>T, p.Ala2615Val (NM_201379.3); c.8321C>T, p.Ala2774Val (NM_201380.4); c.7814C>T, p.Ala2605Val (NM_201381.3); c.7910C>T, p.Ala2637Val (NM_201382.4); c.7922C>T, p.Ala2641Val (NM_201383.3); short protein forms A2605V, A2615V, A2623V, A2637V, A2641V, A2664V, A2774V.
Identifiers: ClinVar variation 499032 (VCV000499032.14), dbSNP rs782384162, ClinGen allele CA4925481.

ClinVar aggregate classification (germline): Uncertain significance. Review status: criteria provided, multiple submitters, no conflicts (2 of 4 stars). 3 submissions from 3 submitters: Uncertain significance (3). Last evaluated 2024-09-27.

Conditions:
Epidermolysis bullosa simplex 5B, with muscular dystrophy (EBS5B). Also called: EPIDERMOLYSIS BULLOSA SIMPLEX AND LIMB-GIRDLE MUSCULAR DYSTROPHY; Epidermolysis bullosa simplex with muscular dystrophy. Identifiers: Orphanet 257, MedGen C2931072, MONDO:0009181, OMIM 226670.
Autosomal recessive limb-girdle muscular dystrophy type 2Q (LGMDR17). Also called: MUSCULAR DYSTROPHY, LIMB-GIRDLE, AUTOSOMAL RECESSIVE 17. Identifiers: Orphanet 254361, MedGen C3150989, MONDO:0013390, OMIM 613723.
Epidermolysis bullosa simplex 5C, with pyloric atresia (EBS5C). Also called: Epidermolysis bullosa simplex with pyloric atresia; PLEC1-Related Epidermolysis Bullosa with Pyloric Atresia; PLEC-Related Epidermolysis Bullosa with Pyloric Atresia. Identifiers: Orphanet 158684, MedGen C2677349, MONDO:0012807, OMIM 612138.
Inborn genetic diseases. Identifiers: MedGen C0950123, MeSH D030342.
Epidermolysis bullosa simplex, Ogna type (EBS5A). Also called: Pidermolysis bullosa simplex 5A, Ogna type; EPIDERMOLYSIS BULLOSA SIMPLEX 5A, OGNA TYPE. Identifiers: Orphanet 79401, MedGen C0432317, MONDO:0007555, OMIM 131950.
Epidermolysis bullosa simplex with nail dystrophy (EBS5D). Identifiers: MedGen C4225309, MONDO:0014661, OMIM 616487.

Allele frequency attached by ClinVar (database versions not stated): ExAC 0.00002; gnomAD 0.00007; TOPMed 0.00008.
gnomAD v4.1: 85 of 1,599,742 alleles (0.0053%); highest among the groups gnomAD compares: African/African-American, 0.0093%; no homozygotes.

Submissions (3):

Ambry Genetics
Classification: Uncertain significance for Inborn genetic diseases. Last evaluated: 2024-09-27. Review status: criteria provided, single submitter. Criteria: Ambry Variant Classification Scheme 2023. Collection method: clinical testing. Allele origin: germline.

Labcorp Genetics (formerly Invitae), Labcorp
Classification: Uncertain significance for Autosomal recessive limb-girdle muscular dystrophy type 2Q; Epidermolysis bullosa simplex, Ogna type; Epidermolysis bullosa simplex with nail dystrophy; Epidermolysis bullosa simplex 5C, with pyloric atresia; Epidermolysis bullosa simplex 5B, with muscular dystrophy. Last evaluated: 2024-08-24. Review status: criteria provided, single submitter. Criteria: Invitae Variant Classification Sherloc (09022015). Collection method: clinical testing. Allele origin: germline.
Comment: This sequence change replaces alanine, which is neutral and non-polar, with valine, which is neutral and non-polar, at codon 2664 of the PLEC protein (p.Ala2664Val). This variant is present in population databases (rs782384162, gnomAD 0.004%). This variant has not been reported in the literature in individuals affected with PLEC-related conditions. ClinVar contains an entry for this variant (Variation ID: 499032). An algorithm developed to predict the effect of missense changes on protein structure and function (PolyPhen-2) suggests that this variant is likely to be tolerated. In summary, the available evidence is currently insufficient to determine the role of this variant in disease. Therefore, it has been classified as a Variant of Uncertain Significance.

Eurofins Ntd Llc (ga)
Classification: Uncertain significance. Last evaluated: 2016-12-30. Review status: criteria provided, single submitter. Criteria: EGL Classification Definitions 2015. Collection method: clinical testing. Allele origin: germline. Observed: 1 variant allele, 1 heterozygote.